The following is an entry in ClinVar:

NM_000179.3(MSH6):c.3608A>C (p.His1203Pro)

Gene: MSH6 (mutS homolog 6; plus strand). Cytogenetic location: 2p16.3.
Variant type: single nucleotide variant.
Coding change: c.3608A>C on transcript NM_000179.3 (MANE Select); coding-DNA position 3608, A replaced by C.
Protein change: p.His1203Pro; replaces histidine 1203 with proline.
Molecular consequence: missense variant.
Genome position (GRCh38, 1-based): chr2:47,805,669, A>C. VCF-style: chr2-47805669-A-C. GRCh37 (hg19) VCF-style: chr2-48032808-A-C.
Other names: c.3218A>C, p.His1073Pro (NM_001281492.2); c.2702A>C, p.His901Pro (NM_001281493.2, NM_001281494.2); short protein forms H1073P, H1203P, H901P.
Identifiers: ClinVar variation 1499104 (VCV001499104.11), dbSNP rs1669964889, ClinGen allele CA346760566.
Genomic context (GRCh38, chr2:47,805,669, plus strand): 5'-TTTTTTAAGGTGAAAGTACATTTTTTGTTGAATTAAGTGAAACTGCCAGCATACTCATGC[A>C]TGCAACAGCACATTCTCTGGTGCTTGTGGATGAATTAGGTAAGACATTAAACTTCTCATT-3'
Protein context (NP_000170.1, residues 1193-1213): ELSETASILM[His1203Pro]ATAHSLVLVD

ClinVar aggregate classification (germline): Conflicting classifications of pathogenicity. Review status: criteria provided, conflicting classifications (1 of 4 stars). 2 submissions from 2 submitters: Likely pathogenic (1); Uncertain significance (1). Last evaluated 2024-07-03.

Conditions:
Hereditary cancer-predisposing syndrome. Also called: Tumor predisposition; Hereditary neoplastic syndrome; Neoplastic Syndromes, Hereditary; Hereditary Cancer Syndrome. Identifiers: Orphanet 140162, MedGen C0027672, MeSH D009386, MONDO:0015356.
Hereditary nonpolyposis colorectal neoplasms. Identifiers: MedGen C0009405, MeSH D003123.

Submissions (2):

Ambry Genetics
Classification: Likely pathogenic for Hereditary cancer-predisposing syndrome. Last evaluated: 2024-07-03. Review status: criteria provided, single submitter. Criteria: Ambry Variant Classification Scheme 2023. Collection method: clinical testing. Allele origin: germline.
Comment: The p.H1203P variant (also known as c.3608A>C), located in coding exon 7 of the MSH6 gene, results from an A to C substitution at nucleotide position 3608. The histidine at codon 1203 is replaced by proline, an amino acid with similar properties. This variant has been identified in multiple proband(s) whose Lynch syndrome-associated tumor demonstrated loss of MSH6 expression by immunohistochemistry (Li S et al. J. Med. Genet. 2020 Jan;57:62-69; Ambry internal data). This amino acid position is highly conserved in available vertebrate species. In addition, this alteration is predicted to be deleterious by in silico analysis. This variant is considered to be rare based on population cohorts in the Genome Aggregation Database (gnomAD). Based on the majority of available evidence to date, this variant is likely to be pathogenic.

Labcorp Genetics (formerly Invitae), Labcorp
Classification: Uncertain significance for Hereditary nonpolyposis colorectal neoplasms. Last evaluated: 2020-11-13. Review status: criteria provided, single submitter. Criteria: Invitae Variant Classification Sherloc (09022015). Collection method: clinical testing. Allele origin: germline.
Comment: This variant is not present in population databases (ExAC no frequency). This sequence change replaces histidine with proline at codon 1203 of the MSH6 protein (p.His1203Pro). The histidine residue is highly conserved and there is a moderate physicochemical difference between histidine and proline. This variant has not been reported in the literature in individuals with MSH6-related conditions. In summary, the available evidence is currently insufficient to determine the role of this variant in disease. Therefore, it has been classified as a Variant of Uncertain Significance. Advanced modeling of protein sequence and biophysical properties (such as structural, functional, and spatial information, amino acid conservation, physicochemical variation, residue mobility, and thermodynamic stability) performed at Invitae indicates that this missense variant is expected to disrupt MSH6 protein function.